The following is an entry in ClinVar:

NM_000548.5(TSC2):c.2590C>A (p.Gln864Lys)

Gene: TSC2 (TSC complex subunit 2; plus strand). Cytogenetic location: 16p13.3.
Variant type: single nucleotide variant.
Coding change: c.2590C>A on transcript NM_000548.5 (MANE Select); coding-DNA position 2590, C replaced by A.
Protein change: p.Gln864Lys; replaces glutamine 864 with lysine.
Molecular consequence: missense variant.
Genome position (GRCh38, 1-based): chr16:2,075,843, C>A. VCF-style: chr16-2075843-C-A. GRCh37 (hg19) VCF-style: chr16-2125844-C-A.
Other names: c.2590C>A, p.Gln864Lys (NM_001077183.3, NM_001114382.3, NM_001363528.2 and 3 more transcripts); c.2479C>A, p.Gln827Lys (NM_001318827.2); c.2443C>A, p.Gln815Lys (NM_001318829.2); c.1990C>A, p.Gln664Lys (NM_001318831.2); c.2623C>A, p.Gln875Lys (NM_001318832.2); short protein forms Q815K, Q875K, Q664K, Q864K, Q827K.
Identifiers: ClinVar variation 1042045 (VCV001042045.8), dbSNP rs45517250, ClinGen allele CA394278389.

ClinVar aggregate classification (germline): Uncertain significance (1 of 4 stars; one submission).

Conditions:
Tuberous sclerosis 2 (TSC2). Identifiers: Orphanet 805, MedGen C1860707, MONDO:0013199, OMIM 613254.

Submission:

Labcorp Genetics (formerly Invitae), Labcorp
Classification: Uncertain significance for Tuberous sclerosis 2. Last evaluated: 2020-08-26. Review status: criteria provided, single submitter. Criteria: Invitae Variant Classification Sherloc (09022015). Collection method: clinical testing. Allele origin: germline.
Comment: This sequence change replaces glutamine with lysine at codon 864 of the TSC2 protein (p.Gln864Lys). The glutamine residue is highly conserved and there is a small physicochemical difference between glutamine and lysine. This variant is not present in population databases (ExAC no frequency). This variant has not been reported in the literature in individuals with TSC2-related conditions. Advanced modeling of protein sequence and biophysical properties (such as structural, functional, and spatial information, amino acid conservation, physicochemical variation, residue mobility, and thermodynamic stability) performed at Invitae indicates that this missense variant is not expected to disrupt TSC2 protein function. In summary, the available evidence is currently insufficient to determine the role of this variant in disease. Therefore, it has been classified as a Variant of Uncertain Significance.